The following is an entry in ClinVar:

NM_000179.3(MSH6):c.2250A>C (p.Thr750=)

Gene: MSH6 (mutS homolog 6; plus strand). Cytogenetic location: 2p16.3.
Variant type: single nucleotide variant.
Coding change: c.2250A>C on transcript NM_000179.3 (MANE Select); coding-DNA position 2250, A replaced by C.
Protein change: p.Thr750=; no amino-acid change (threonine 750 retained).
Molecular consequence: synonymous variant.
Genome position (GRCh38, 1-based): chr2:47,800,233, A>C. VCF-style: chr2-47800233-A-C. GRCh37 (hg19) VCF-style: chr2-48027372-A-C.
Other names: c.1860A>C, p.Thr620= (NM_001281492.2); c.1344A>C, p.Thr448= (NM_001281493.2, NM_001281494.2).
Identifiers: ClinVar variation 416151 (VCV000416151.15), dbSNP rs1060504746, ClinGen allele CA16610930.
Genomic context (GRCh38, chr2:47,800,233, plus strand): 5'-TCAACGAATGGTGCTAGATGCAGTGACATTAAACAACTTGGAGATTTTTCTGAATGGAAC[A>C]AATGGTTCTACTGAAGGAACCCTACTAGAGAGGGTTGATACTTGCCATACTCCTTTTGGT-3'
Protein context (NP_000170.1, residues 740-760): LNNLEIFLNG[Thr750=]NGSTEGTLLE

ClinVar aggregate classification (germline): Benign/Likely benign. Review status: criteria provided, multiple submitters, no conflicts (2 of 4 stars). 3 submissions from 3 submitters: Benign (1); Likely benign (2). Last evaluated 2024-12-30.

Conditions:
Lynch syndrome 5 (LYNCH5). Also called: Colorectal cancer, hereditary nonpolyposis, type 5; Hereditary non-polyposis colorectal cancer, type 5. Identifiers: Orphanet 144, MedGen C1833477, MONDO:0013710, OMIM 614350. Disease mechanism: loss of function.
Hereditary nonpolyposis colorectal neoplasms. Identifiers: MedGen C0009405, MeSH D003123.
Hereditary cancer-predisposing syndrome. Also called: Tumor predisposition; Neoplastic Syndromes, Hereditary; Hereditary neoplastic syndrome; Hereditary Cancer Syndrome. Identifiers: Orphanet 140162, MedGen C0027672, MeSH D009386, MONDO:0015356.

Submissions (3):

Myriad Genetics, Inc.
Classification: Benign for Lynch syndrome 5. Last evaluated: 2024-12-30. Review status: criteria provided, single submitter. Criteria: Myriad Autosomal Dominant, Autosomal Recessive and X-Linked Classification Criteria (2023). Collection method: clinical testing. Allele origin: unknown.
Comment: This variant is considered benign. This variant is a silent/synonymous amino acid change and it is not expected to impact splicing.

Labcorp Genetics (formerly Invitae), Labcorp
Classification: Likely benign for Hereditary nonpolyposis colorectal neoplasms. Last evaluated: 2016-08-05. Review status: criteria provided, single submitter. Criteria: Invitae Variant Classification Sherloc (09022015). Collection method: clinical testing. Allele origin: germline.

Color Diagnostics, LLC DBA Color Health
Classification: Likely benign for Hereditary cancer-predisposing syndrome. Last evaluated: 2016-02-24. Review status: criteria provided, single submitter. Criteria: ACMG Guidelines, 2015. Collection method: clinical testing. Allele origin: germline.